The following is an entry in ClinVar:

ClinVar aggregate classification (germline): Likely pathogenic. Review status: criteria provided, single submitter (1 of 4 stars). 2 submissions from 2 submitters: Likely pathogenic (1). 1 of the submissions does not count toward it. Last evaluated 2025-02-05.

Conditions:
Cone-rod dystrophy 3 (CORD3). Identifiers: Orphanet 1872, MedGen C1858806, MONDO:0011395, OMIM 604116.

Submissions (2):

SingHealth Duke-NUS Institute of Precision Medicine
Classification: Likely pathogenic for Cone-rod dystrophy 3. Last evaluated: 2025-02-05. Review status: criteria provided, single submitter. Criteria: PRISM ACMG Classification Criteria. Collection method: clinical testing. Allele origin: germline. Affected: yes.
Comment: Variant is located in a mutational hotspot where >50% of variants are pathogenic (PM1). Variant is not found in gnomAD exomes or genomes (PM2). REVEL score is 0.953 (PP3_str)

Retina International
No classification provided. Review status: no classification provided. Collection method: not provided. Allele origin: not provided. Not counted in ClinVar's aggregate classification.

NM_000350.3(ABCA4):c.4892T>C (p.Leu1631Pro)

Genes: ABCA4 (ATP binding cassette subfamily A member 4; minus strand), LOC126805793 (CDK7 strongly-dependent group 2 enhancer GRCh37_chr1:94486302-94487501; plus strand). Cytogenetic location: 1p22.1.
Variant type: single nucleotide variant.
Coding change: c.4892T>C on transcript NM_000350.3 (MANE Select); coding-DNA position 4892, T replaced by C.
Protein change: p.Leu1631Pro; replaces leucine 1631 with proline.
Molecular consequence: missense variant.
Genome position (GRCh38, 1-based): chr1:94,021,366, A>G on the plus strand (T>C on the coding strand, the complement: ABCA4 is on the minus strand). VCF-style: chr1-94021366-A-G. GRCh37 (hg19) VCF-style: chr1-94486922-A-G.
Other names: c.4670T>C, p.Leu1557Pro (NM_001425324.1); short protein forms L1631P, L1557P.
Identifiers: ClinVar variation 99328 (VCV000099328.2), dbSNP rs61750158, ClinGen allele CA227250.